The following is an entry in ClinVar:

ClinVar aggregate classification (germline): Conflicting classifications of pathogenicity. Review status: criteria provided, conflicting classifications (1 of 4 stars). 2 submissions from 2 submitters: Uncertain significance (1); Likely benign (1). Last evaluated 2026-04-13.

Allele frequency attached by ClinVar (database versions not stated): TOPMed below 0.00001; gnomAD exomes below 0.00001.
gnomAD v4.1: 1 of 1,200,031 alleles (0.000083%); highest among the groups gnomAD compares: Non-Finnish European, 0.00011%; no homozygotes.

Submissions (2):

GeneDx
Classification: Uncertain significance. Last evaluated: 2026-04-13. Review status: criteria provided, single submitter. Criteria: GeneDx Variant Classification Process June 2021. Collection method: clinical testing. Allele origin: germline.
Comment: Not observed at significant frequency in large population cohorts (gnomAD); In silico analysis supports that this missense variant has a deleterious effect on protein structure/function; Has not been previously published as pathogenic or benign to our knowledge

Labcorp Genetics (formerly Invitae), Labcorp
Classification: Likely benign. Last evaluated: 2017-06-23. Review status: criteria provided, single submitter. Criteria: Invitae Variant Classification Sherloc (09022015). Collection method: clinical testing. Allele origin: germline.

NM_005660.3(SLC35A2):c.646G>A (p.Ala216Thr)

Gene: SLC35A2 (solute carrier family 35 member A2; minus strand). Cytogenetic location: Xp11.23.
Variant type: single nucleotide variant.
Coding change: c.646G>A on transcript NM_005660.3 (MANE Select); coding-DNA position 646, G replaced by A.
Protein change: p.Ala216Thr; replaces alanine 216 with threonine.
Molecular consequence: missense variant. On other transcripts: intron variant (3).
Genome position (GRCh38, 1-based): chrX:48,905,263, C>T on the plus strand (G>A on the coding strand, the complement: SLC35A2 is on the minus strand). VCF-style: chrX-48905263-C-T. GRCh37 (hg19) VCF-style: chrX-48762540-C-T.
Other names: c.646G>A, p.Ala216Thr (NM_001042498.3); c.463G>A, p.Ala155Thr (NM_001282649.2); c.685G>A, p.Ala229Thr (NM_001282650.2); c.730G>A, p.Ala244Thr (NM_001282651.2); c.427-371G>A (NM_001282647.2, NM_001032289.3); c.355-371G>A (NM_001282648.2); short protein forms A229T, A155T, A216T, A244T.
Identifiers: ClinVar variation 789364 (VCV000789364.4), dbSNP rs1424723471, ClinGen allele CA412895527.